The following is an entry in ClinVar:

ClinVar aggregate classification (germline): Uncertain significance (1 of 4 stars; one submission).

Submission:

Labcorp Genetics (formerly Invitae), Labcorp
Classification: Uncertain significance. Last evaluated: 2022-06-13. Review status: criteria provided, single submitter. Criteria: Invitae Variant Classification Sherloc (09022015). Collection method: clinical testing. Allele origin: germline.
Comment: This variant is not present in population databases (gnomAD no frequency). In summary, the available evidence is currently insufficient to determine the role of this variant in disease. Therefore, it has been classified as a Variant of Uncertain Significance. Advanced modeling of protein sequence and biophysical properties (such as structural, functional, and spatial information, amino acid conservation, physicochemical variation, residue mobility, and thermodynamic stability) performed at Invitae indicates that this missense variant is expected to disrupt KCNV2 protein function. This variant has not been reported in the literature in individuals affected with KCNV2-related conditions. This sequence change replaces leucine, which is neutral and non-polar, with proline, which is neutral and non-polar, at codon 492 of the KCNV2 protein (p.Leu492Pro).

NM_133497.4(KCNV2):c.1475T>C (p.Leu492Pro)

Gene: KCNV2 (potassium voltage-gated channel modifier subfamily V member 2; plus strand). Cytogenetic location: 9p24.2.
Variant type: single nucleotide variant.
Coding change: c.1475T>C on transcript NM_133497.4 (MANE Select); coding-DNA position 1475, T replaced by C.
Protein change: p.Leu492Pro; replaces leucine 492 with proline.
Molecular consequence: missense variant.
Genome position (GRCh38, 1-based): chr9:2,729,564, T>C. VCF-style: chr9-2729564-T-C. GRCh37 (hg19) VCF-style: chr9-2729564-T-C.
Other names: short protein forms L492P.
Identifiers: ClinVar variation 1401682 (VCV001401682.8), dbSNP rs2130869375, ClinGen allele CA372803533.